The following is an entry in ClinVar:

NM_144997.7(FLCN):c.948T>A (p.Ser316Arg)

Gene: FLCN (folliculin; minus strand). Cytogenetic location: 17p11.2.
Variant type: single nucleotide variant.
Coding change: c.948T>A on transcript NM_144997.7 (MANE Select); coding-DNA position 948, T replaced by A.
Protein change: p.Ser316Arg; replaces serine 316 with arginine.
Molecular consequence: missense variant.
Genome position (GRCh38, 1-based): chr17:17,219,133, A>T on the plus strand (T>A on the coding strand, the complement: FLCN is on the minus strand). VCF-style: chr17-17219133-A-T. GRCh37 (hg19) VCF-style: chr17-17122447-A-T.
Other names: c.1002T>A, p.Ser334Arg (NM_001353229.2); c.948T>A, p.Ser316Arg (NM_001353230.2, NM_001353231.2); short protein forms S316R, S334R.
Identifiers: ClinVar variation 2874015 (VCV002874015.3), dbSNP rs2544195762, ClinGen allele CA398532942.
Genomic context (GRCh38, chr17:17,219,133, plus strand): 5'-CCCACAGCCTGAGAGAGAGGAGGACTCTGCCGGGCCCTGGGTCAGCTCCCGCCCTTCTGT[A>T]CTCTCTGGCAACACAGGGGCTTTCTCCTCCTCTTCAGCCTCAGAGTTGTCCCAGCTTTCT-3'
Protein context (NP_659434.2, residues 306-326): EEEKAPVLPE[Ser316Arg]TEGRELTQGP

ClinVar aggregate classification (germline): Uncertain significance (1 of 4 stars; one submission).

Conditions:
Birt-Hogg-Dube syndrome. Also called: Birt Hogg Dubé syndrome. Identifiers: Orphanet 122, MedGen C0346010, MONDO:0800444.

Submission:

Labcorp Genetics (formerly Invitae), Labcorp
Classification: Uncertain significance for Birt-Hogg-Dube syndrome. Last evaluated: 2023-01-02. Review status: criteria provided, single submitter. Criteria: Invitae Variant Classification Sherloc (09022015). Collection method: clinical testing. Allele origin: germline.
Comment: This sequence change replaces serine, which is neutral and polar, with arginine, which is basic and polar, at codon 316 of the FLCN protein (p.Ser316Arg). This variant is not present in population databases (gnomAD no frequency). This variant has not been reported in the literature in individuals affected with FLCN-related conditions. Algorithms developed to predict the effect of missense changes on protein structure and function (SIFT, PolyPhen-2, Align-GVGD) all suggest that this variant is likely to be tolerated. In summary, the available evidence is currently insufficient to determine the role of this variant in disease. Therefore, it has been classified as a Variant of Uncertain Significance.